The following is an entry in ClinVar:

NM_003070.5(SMARCA2):c.733C>G (p.Gln245Glu)

Gene: SMARCA2 (SWI/SNF related BAF chromatin remodeling complex subunit ATPase 2; plus strand). Cytogenetic location: 9p24.3.
Variant type: single nucleotide variant.
Coding change: c.733C>G on transcript NM_003070.5 (MANE Select); coding-DNA position 733, C replaced by G.
Protein change: p.Gln245Glu; replaces glutamine 245 with glutamic acid.
Molecular consequence: missense variant.
Genome position (GRCh38, 1-based): chr9:2,039,843, C>G. VCF-style: chr9-2039843-C-G. GRCh37 (hg19) VCF-style: chr9-2039843-C-G.
Other names: c.733C>G, p.Gln245Glu (NM_001289396.2, NM_001289397.2, NM_139045.4); short protein forms Q245E.
Identifiers: ClinVar variation 3068997 (VCV003068997.2), dbSNP rs2537220925, ClinGen allele CA372780549.

ClinVar aggregate classification (germline): Uncertain significance (1 of 4 stars; one submission).

Allele frequency attached by ClinVar (database versions not stated): gnomAD exomes below 0.00001.
gnomAD v4.1: 1 of 1,613,112 alleles (0.000062%); highest among the groups gnomAD compares: Admixed American, 0.0017%; no homozygotes.

Submission:

Women's Health and Genetics/Laboratory Corporation of America, LabCorp
Classification: Uncertain significance. Last evaluated: 2024-02-15. Review status: criteria provided, single submitter. Criteria: LabCorp Variant Classification Summary - May 2015. Collection method: clinical testing. Allele origin: germline.
Comment: Variant summary: SMARCA2 c.733C>G (p.Gln245Glu) results in a conservative amino acid change in the encoded protein sequence. Five of five in-silico tools predict a benign effect of the variant on protein function. The variant allele was found at a frequency of 1.6e-06 in 627902 control chromosomes in gnomAD database (v4.0.0). The available data on variant occurrences in the general population are insufficient to allow any conclusion about variant significance. To our knowledge, no occurrence of c.733C>G in individuals affected with Nicolaides-Baraitser Syndrome and no experimental evidence demonstrating its impact on protein function have been reported. No submitters have cited clinical-significance assessments for this variant to ClinVar. Based on the evidence outlined above, the variant was classified as uncertain significance.